The following is an entry in ClinVar:

ClinVar aggregate classification (germline): Uncertain significance. Review status: criteria provided, multiple submitters, no conflicts (2 of 4 stars). 2 submissions from 2 submitters: Uncertain significance (2). Last evaluated 2025-12-30.

Conditions:
Inborn genetic diseases. Identifiers: MedGen C0950123, MeSH D030342.

Allele frequency attached by ClinVar (database versions not stated): gnomAD 0.00001 and 0.00003; TOPMed 0.00001; gnomAD exomes 0.00003 and 0.00005; ExAC 0.00005.
gnomAD v4.1: 70 of 1,607,838 alleles (0.0044%); highest among the groups gnomAD compares: Middle Eastern, 0.066%; no homozygotes.

Submissions (2):

Ambry Genetics
Classification: Uncertain significance for Inborn genetic diseases. Last evaluated: 2025-12-30. Review status: criteria provided, single submitter. Criteria: Ambry Variant Classification Scheme 2023. Collection method: clinical testing. Allele origin: germline.
Comment: The c.2075G>A (p.R692H) alteration is located in exon 19 (coding exon 19) of the PTPN23 gene. This alteration results from a G to A substitution at nucleotide position 2075, causing the arginine (R) at amino acid position 692 to be replaced by a histidine (H). Based on data from gnomAD, the A allele has an overall frequency of 0.003% (7/239358) total alleles studied. The highest observed frequency was 0.017% (5/30066) of South Asian alleles. Based on insufficient or conflicting evidence, the clinical significance of this alteration remains unclear.

Labcorp Genetics (formerly Invitae), Labcorp
Classification: Uncertain significance. Last evaluated: 2022-07-19. Review status: criteria provided, single submitter. Criteria: Invitae Variant Classification Sherloc (09022015). Collection method: clinical testing. Allele origin: germline.
Comment: This sequence change replaces arginine, which is basic and polar, with histidine, which is basic and polar, at codon 692 of the PTPN23 protein (p.Arg692His). This variant is present in population databases (rs758897665, gnomAD 0.02%). This variant has not been reported in the literature in individuals affected with PTPN23-related conditions. ClinVar contains an entry for this variant (Variation ID: 1504876). Algorithms developed to predict the effect of missense changes on protein structure and function are either unavailable or do not agree on the potential impact of this missense change (SIFT: "Deleterious"; PolyPhen-2: "Not Available"; Align-GVGD: "Class C0"). In summary, the available evidence is currently insufficient to determine the role of this variant in disease. Therefore, it has been classified as a Variant of Uncertain Significance.

NM_015466.4(PTPN23):c.2075G>A (p.Arg692His)

Gene: PTPN23 (protein tyrosine phosphatase non-receptor type 23; plus strand). Cytogenetic location: 3p21.31.
Variant type: single nucleotide variant.
Coding change: c.2075G>A on transcript NM_015466.4 (MANE Select); coding-DNA position 2075, G replaced by A.
Protein change: p.Arg692His; replaces arginine 692 with histidine.
Molecular consequence: missense variant.
Genome position (GRCh38, 1-based): chr3:47,409,780, G>A. VCF-style: chr3-47409780-G-A. GRCh37 (hg19) VCF-style: chr3-47451270-G-A.
Other names: c.1697G>A, p.Arg566His (NM_001304482.2); c.2075G>A (NM_015466.2); short protein forms R566H, R692H.
Identifiers: ClinVar variation 1504876 (VCV001504876.4), dbSNP rs758897665, ClinGen allele CA2365905.